The following is an entry in ClinVar:

NM_003738.5(PTCH2):c.3608G>A (p.Gly1203Glu)

Gene: PTCH2 (patched 2; minus strand). Cytogenetic location: 1p34.1.
Variant type: single nucleotide variant.
Coding change: c.3608G>A on transcript NM_003738.5 (MANE Select); coding-DNA position 3608, G replaced by A.
Protein change: p.Gly1203Glu; replaces glycine 1203 with glutamic acid.
Molecular consequence: missense variant. On other transcripts: intron variant (1).
Genome position (GRCh38, 1-based): chr1:44,822,419, C>T on the plus strand (G>A on the coding strand, the complement: PTCH2 is on the minus strand). VCF-style: chr1-44822419-C-T. GRCh37 (hg19) VCF-style: chr1-45288091-C-T.
Other names: c.3425+183G>A (NM_001166292.2); short protein forms G1203E.
Identifiers: ClinVar variation 4873633 (VCV004873633.2).

ClinVar aggregate classification (germline): Uncertain significance (1 of 4 stars; one submission).

gnomAD v4.1: 3 of 1,613,620 alleles (0.00019%); highest among the groups gnomAD compares: East Asian, 0.0022%; no homozygotes.

Submission:

CeGaT Center for Human Genetics Tuebingen
Classification: Uncertain significance. Last evaluated: 2026-06-01. Review status: criteria provided, single submitter. Criteria: CeGaT Center For Human Genetics Tuebingen Variant Classification Criteria Version 2. Collection method: clinical testing. Allele origin: germline. Affected: yes. Observed: 1 variant allele.
Comment: PTCH2: PM2, BP4